The following is an entry in ClinVar:

ClinVar aggregate classification (germline): Likely pathogenic (1 of 4 stars; one submission).

Conditions:
alpha Thalassemia. Also called: Alpha thalassemia spectrum. Identifiers: Orphanet 846, MedGen C0002312, MONDO:0011399, OMIM 604131.

Submission:

Natera, Inc.
Classification: Likely pathogenic for Alpha thalassemia. Last evaluated: 2025-12-17. Review status: criteria provided, single submitter. Criteria: Natera Variant Classification Schema (03/2026). Collection method: clinical testing. Allele origin: germline.
Comment: The c.249_252del variant in HBA2 is a frameshift variant predicted to shift the reading frame beginning at codon 84 and leads to a stop codon 18 codons downstream. This variant is expected to result in nonsense mediated decay, truncation, or a dysfunctional protein product. This variant is rare in the general population with a frequency below the threshold expected for the associated phenotype(s). Given the available evidence, this variant is classified as Likely Pathogenic.

NM_000517.6(HBA2):c.249_252del (p.Leu84fs)

Genes: HBA2 (hemoglobin subunit alpha 2; plus strand), LOC106804612 (hemoglobin subunit alpha 2 recombination region; plus strand). Cytogenetic location: 16p13.3.
Variant type: Deletion.
Coding change: c.249_252del on transcript NM_000517.6 (MANE Select); coding-DNA positions 249 to 252, 4 bases deleted (CCTG; older notation c.249_252delCCTG).
Protein change: p.Leu84fs; shifts the reading frame from leucine 84.
Molecular consequence: frameshift variant.
Genome position (GRCh38, 1-based): chr16:173,278-173,281, CCTG deleted. VCF-style (leftmost placement, unchanged base first): chr16-173277-CCCTG-C. GRCh37 (hg19) VCF-style: chr16-223276-CCCTG-C.
Other names: short protein forms L84fs.
Identifiers: ClinVar variation 4818649 (VCV004818649.1).